The following is an entry in ClinVar:

ClinVar aggregate classification (germline): Pathogenic/Likely pathogenic. Review status: criteria provided, multiple submitters, no conflicts (2 of 4 stars). 2 submissions from 2 submitters: Pathogenic (1); Likely pathogenic (1). Last evaluated 2024-11-13.

Conditions:
Abnormality of the nervous system. Also called: Congenital nervous system disorder. Identifiers: MedGen C0497552, MONDO:0002320, HP:0000707.
Language delay and attention deficit-hyperactivity disorder/cognitive impairment with or without cardiac arrhythmia (LDMLS2). Also called: LODDER-MERLA SYNDROME, TYPE 2, WITH DEVELOPMENTAL DELAY AND WITH OR WITHOUT CARDIAC ARRHYTHMIA. Identifiers: MedGen C4310678, MONDO:0014957, OMIM 617182.

Submissions (2):

3billion
Classification: Pathogenic for Language delay and attention deficit-hyperactivity disorder/cognitive impairment with or without cardiac arrhythmia. Last evaluated: 2024-11-13. Review status: criteria provided, single submitter. Criteria: ACMG Guidelines, 2015. Collection method: clinical testing. Allele origin: germline. Affected: yes.
Comment: The variant is not observed in the gnomAD v4.1.0 dataset. Predicted Consequence/Location: Frameshift: predicted to result in a loss or disruption of normal protein function through nonsense-mediated decay (NMD) or protein truncation. Multiple pathogenic variants are reported downstream of the variant. The variant has been reported to be associated with GNB5 related disorder (ClinVar ID: VCV001180780). Therefore, this variant is classified as Pathogenic according to the recommendation of ACMG/AMP guideline.

Kariminejad - Najmabadi Pathology & Genetics Center
Classification: Likely pathogenic for Abnormality of the nervous system. Last evaluated: 2021-07-10. Review status: criteria provided, single submitter. Criteria: ACMG Guidelines, 2015. Collection method: clinical testing. Allele origin: germline. Affected: yes.

NM_016194.4(GNB5):c.640_643del (p.Ser214fs)

Gene: GNB5 (G protein subunit beta 5; minus strand). Cytogenetic location: 15q21.2.
Variant type: Microsatellite.
Coding change: c.640_643del on transcript NM_016194.4 (MANE Select); coding-DNA positions 640 to 643, 4 bases deleted (AGCG; older notation c.640_643delAGCG).
Protein change: p.Ser214fs; shifts the reading frame from serine 214.
Molecular consequence: frameshift variant.
Genome position (GRCh38, 1-based): chr15:52,135,741-52,135,744, CGCT deleted on the plus strand (AGCG on the coding strand, the reverse complement: GNB5 is on the minus strand); deleting any 4 consecutive bases within chr15:52,135,741-52,135,748 gives the same sequence; the c. name uses the placement nearest the transcript's 3' end. VCF-style (leftmost placement, unchanged base first): chr15-52135740-CCGCT-C. GRCh37 (hg19) VCF-style: chr15-52427937-CCGCT-C.
Other names: c.358_361del, p.Ser120fs (NM_001379343.1); c.514_517del, p.Ser172fs (NM_006578.4); c.640_643delAGCG (NM_016194.4); short protein forms S120fs, S172fs, S214fs.
Identifiers: ClinVar variation 1180780 (VCV001180780.2), dbSNP rs2141193854, ClinGen allele CA2580613838.